The following is an entry in ClinVar:

ClinVar aggregate classification (germline): Uncertain significance (1 of 4 stars; one submission).

Conditions:
Primary ciliary dyskinesia. Also called: Ciliary dyskinesia. Identifiers: Orphanet 244, MedGen C0008780, MONDO:0016575, HP:0012265.

Allele frequency attached by ClinVar (database versions not stated): ExAC 0.00001; gnomAD exomes 0.00001; gnomAD 0.00002.
gnomAD v4.1: 6 of 1,613,972 alleles (0.00037%); highest among the groups gnomAD compares: Admixed American, 0.005%; no homozygotes.

Submission:

Labcorp Genetics (formerly Invitae), Labcorp
Classification: Uncertain significance for Primary ciliary dyskinesia. Last evaluated: 2023-12-09. Review status: criteria provided, single submitter. Criteria: Invitae Variant Classification Sherloc (09022015). Collection method: clinical testing. Allele origin: germline.
Comment: This sequence change replaces threonine, which is neutral and polar, with alanine, which is neutral and non-polar, at codon 1839 of the DNAH5 protein (p.Thr1839Ala). This variant is present in population databases (rs763742646, gnomAD 0.003%). This variant has not been reported in the literature in individuals affected with DNAH5-related conditions. Advanced modeling of protein sequence and biophysical properties (such as structural, functional, and spatial information, amino acid conservation, physicochemical variation, residue mobility, and thermodynamic stability) performed at Invitae indicates that this missense variant is not expected to disrupt DNAH5 protein function with a negative predictive value of 95%. In summary, the available evidence is currently insufficient to determine the role of this variant in disease. Therefore, it has been classified as a Variant of Uncertain Significance.

NM_001369.3(DNAH5):c.5515A>G (p.Thr1839Ala)

Gene: DNAH5 (dynein axonemal heavy chain 5; minus strand). Cytogenetic location: 5p15.2.
Variant type: single nucleotide variant.
Coding change: c.5515A>G on transcript NM_001369.3 (MANE Select); coding-DNA position 5515, A replaced by G.
Protein change: p.Thr1839Ala; replaces threonine 1839 with alanine.
Molecular consequence: missense variant.
Genome position (GRCh38, 1-based): chr5:13,841,100, T>C on the plus strand (A>G on the coding strand, the complement: DNAH5 is on the minus strand). VCF-style: chr5-13841100-T-C. GRCh37 (hg19) VCF-style: chr5-13841209-T-C.
Other names: short protein forms T1839A.
Identifiers: ClinVar variation 2721542 (VCV002721542.3), dbSNP rs763742646, ClinGen allele CA3203648.